The following is an entry in ClinVar:

ClinVar aggregate classification (germline): Uncertain significance (1 of 4 stars; one submission).

Conditions:
Werner syndrome (WRN). Identifiers: Orphanet 902, MedGen C0043119, MONDO:0010196, OMIM 277700.

Allele frequency attached by ClinVar (database versions not stated): gnomAD exomes below 0.00001 and 0.00001; gnomAD 0.00004 and 0.00005.
gnomAD v4.1: 23 of 1,613,156 alleles (0.0014%); highest among the groups gnomAD compares: African/African-American, 0.0053%; no homozygotes.

Submission:

Labcorp Genetics (formerly Invitae), Labcorp
Classification: Uncertain significance for Werner syndrome. Last evaluated: 2017-07-28. Review status: criteria provided, single submitter. Criteria: Invitae Variant Classification Sherloc (09022015). Collection method: clinical testing. Allele origin: germline.
Comment: This sequence change replaces aspartic acid with glycine at codon 522 of the WRN protein (p.Asp522Gly). The aspartic acid residue is weekly conserved and there is a moderate physicochemical difference between aspartic acid and glycine. This variant is not present in population databases (ExAC no frequency). This variant has not been reported in the literature in individuals with WRN-related disease. Algorithms developed to predict the effect of sequence changes on RNA splicing suggest that this variant may create or strengthen a splice site, but this prediction has not been confirmed by published transcriptional studies. In summary, the available evidence is currently insufficient to determine the role of this variant in disease. Therefore, it has been classified as a Variant of Uncertain Significance.

NM_000553.6(WRN):c.1565A>G (p.Asp522Gly)

Gene: WRN (WRN RecQ like helicase; plus strand). Cytogenetic location: 8p12.
Variant type: single nucleotide variant.
Coding change: c.1565A>G on transcript NM_000553.6 (MANE Select); coding-DNA position 1565, A replaced by G.
Protein change: p.Asp522Gly; replaces aspartic acid 522 with glycine.
Molecular consequence: missense variant.
Genome position (GRCh38, 1-based): chr8:31,087,909, A>G. VCF-style: chr8-31087909-A-G. GRCh37 (hg19) VCF-style: chr8-30945425-A-G.
Other names: short protein forms D522G.
Identifiers: ClinVar variation 458384 (VCV000458384.1), dbSNP rs1484276133, ClinGen allele CA370924954.